The following is an entry in ClinVar:

ClinVar aggregate classification (germline): Uncertain significance (1 of 4 stars; one submission).

gnomAD v4.1: 6 of 1,614,162 alleles (0.00037%); highest among the groups gnomAD compares: Non-Finnish European, 0.00051%; no homozygotes.

Submission:

Labcorp Genetics (formerly Invitae), Labcorp
Classification: Uncertain significance. Last evaluated: 2024-08-27. Review status: criteria provided, single submitter. Criteria: Invitae Variant Classification Sherloc (09022015). Collection method: clinical testing. Allele origin: germline.
Comment: This sequence change replaces proline, which is neutral and non-polar, with arginine, which is basic and polar, at codon 4676 of the FAT4 protein (p.Pro4676Arg). This variant is present in population databases (rs766361374, gnomAD 0.0009%). This variant has not been reported in the literature in individuals affected with FAT4-related conditions. Invitae Evidence Modeling of protein sequence and biophysical properties (such as structural, functional, and spatial information, amino acid conservation, physicochemical variation, residue mobility, and thermodynamic stability) indicates that this missense variant is not expected to disrupt FAT4 protein function with a negative predictive value of 95%. In summary, the available evidence is currently insufficient to determine the role of this variant in disease. Therefore, it has been classified as a Variant of Uncertain Significance.

NM_001291303.3(FAT4):c.14033C>G (p.Pro4678Arg)

Gene: FAT4 (FAT atypical cadherin 4; plus strand). Cytogenetic location: 4q28.1.
Variant type: single nucleotide variant.
Coding change: c.14033C>G on transcript NM_001291303.3 (MANE Select); coding-DNA position 14033, C replaced by G.
Protein change: p.Pro4678Arg; replaces proline 4678 with arginine.
Molecular consequence: missense variant.
Genome position (GRCh38, 1-based): chr4:125,490,849, C>G. VCF-style: chr4-125490849-C-G. GRCh37 (hg19) VCF-style: chr4-126412004-C-G.
Other names: c.14030C>G, p.Pro4677Arg (NM_001291285.3); c.14027C>G, p.Pro4676Arg (NM_024582.6); short protein forms P4676R, P4678R, P4677R.
Identifiers: ClinVar variation 3643942 (VCV003643942.2).